The following is an entry in ClinVar:

ClinVar aggregate classification (germline): Uncertain significance (1 of 4 stars; one submission).

gnomAD v4.1: 8 of 1,614,084 alleles (0.0005%); highest among the groups gnomAD compares: Non-Finnish European, 0.00068%; no homozygotes.

Submission:

Labcorp Genetics (formerly Invitae), Labcorp
Classification: Uncertain significance. Last evaluated: 2025-09-08. Review status: criteria provided, single submitter. Criteria: Invitae Variant Classification Sherloc (09022015). Collection method: clinical testing. Allele origin: germline.
Comment: This sequence change replaces leucine, which is neutral and non-polar, with tryptophan, which is neutral and slightly polar, at codon 222 of the GALNT3 protein (p.Leu222Trp). This variant is present in population databases (no rsID available, gnomAD 0.007%). This variant has not been reported in the literature in individuals affected with GALNT3-related conditions. ClinVar contains an entry for this variant (Variation ID: 3714507). Invitae Evidence Modeling of protein sequence and biophysical properties (such as structural, functional, and spatial information, amino acid conservation, physicochemical variation, residue mobility, and thermodynamic stability) indicates that this missense variant is expected to disrupt GALNT3 protein function with a positive predictive value of 80%. In summary, the available evidence is currently insufficient to determine the role of this variant in disease. Therefore, it has been classified as a Variant of Uncertain Significance.

NM_004482.4(GALNT3):c.665T>G (p.Leu222Trp)

Gene: GALNT3 (polypeptide N-acetylgalactosaminyltransferase 3; minus strand). Cytogenetic location: 2q24.3.
Variant type: single nucleotide variant.
Coding change: c.665T>G on transcript NM_004482.4 (MANE Select); coding-DNA position 665, T replaced by G.
Protein change: p.Leu222Trp; replaces leucine 222 with tryptophan.
Molecular consequence: missense variant.
Genome position (GRCh38, 1-based): chr2:165,764,907, A>C on the plus strand (T>G on the coding strand, the complement: GALNT3 is on the minus strand). VCF-style: chr2-165764907-A-C. GRCh37 (hg19) VCF-style: chr2-166621417-A-C.
Other names: short protein forms L222W.
Identifiers: ClinVar variation 3714507 (VCV003714507.2).
Genomic context (GRCh38, chr2:165,764,907, plus strand): 5'-ATTTGGGAAACAATCTAATTTGCATGTGCTTTCTTACCATCTACACTAGCATCATCCACC[A>C]AAATGATTTCCTTCAGCAGTATTGCAGGTGAAGAATAGAGCACACTGTGGACAGTTCTAA-3'
Protein context (NP_004473.2, residues 212-232): SPAILLKEII[Leu222Trp]VDDASVDEYL